The following is an entry in ClinVar:

NM_001631.5(ALPI):c.1065C>T (p.Asp355=)

Gene: ALPI (alkaline phosphatase, intestinal; plus strand). Cytogenetic location: 2q37.1.
Variant type: single nucleotide variant.
Coding change: c.1065C>T on transcript NM_001631.5 (MANE Select); coding-DNA position 1065, C replaced by T.
Protein change: p.Asp355=; no amino-acid change (aspartic acid 355 retained).
Molecular consequence: synonymous variant.
Genome position (GRCh38, 1-based): chr2:232,458,290, C>T. VCF-style: chr2-232458290-C-T. GRCh37 (hg19) VCF-style: chr2-233323000-C-T.
Other names: p.Asp355=.
Identifiers: ClinVar variation 3038142 (VCV003038142.3), dbSNP rs10195208, ClinGen allele CA2166648.

ClinVar aggregate classification (germline): Benign. Review status: criteria provided, single submitter (1 of 4 stars). 2 submissions from 2 submitters: Benign (1). 1 of the submissions does not count toward it. Last evaluated 2023-11-05.

Conditions:
ALPI-related disorder. Also called: ALPI-related condition.

Allele frequency attached by ClinVar (database versions not stated): 1000 Genomes Project 0.05052; gnomAD exomes 0.00440; ExAC 0.01383; 1000 Genomes Project 30x 0.05497; ESP Exome Variant Server 0.04859.
gnomAD v4.1: 13,050 of 1,614,086 alleles (0.81%); highest among the groups gnomAD compares: African/African-American, 15%; 870 homozygotes.

Submissions (2):

Mayo Clinic Laboratories, Mayo Clinic
Classification: Benign. Last evaluated: 2023-11-05. Review status: criteria provided, single submitter. Criteria: ACMG Guidelines, 2015. Collection method: clinical testing. Allele origin: germline. Observed: 9 variant alleles.

PreventionGenetics, part of Exact Sciences
Classification: Benign for ALPI-related condition. Last evaluated: 2019-06-06. Review status: no assertion criteria provided. Collection method: clinical testing. Allele origin: germline. Not counted in ClinVar's aggregate classification.
Comment: This variant is classified as benign based on ACMG/AMP sequence variant interpretation guidelines (Richards et al. 2015 PMID: 25741868, with internal and published modifications).